The following is an entry in ClinVar:

ClinVar aggregate classification (germline): Uncertain significance (1 of 4 stars; one submission).

Submission:

Labcorp Genetics (formerly Invitae), Labcorp
Classification: Uncertain significance. Last evaluated: 2022-09-29. Review status: criteria provided, single submitter. Criteria: Invitae Variant Classification Sherloc (09022015). Collection method: clinical testing. Allele origin: germline.
Comment: This variant is not present in population databases (gnomAD no frequency). This sequence change replaces aspartic acid, which is acidic and polar, with asparagine, which is neutral and polar, at codon 387 of the MNX1 protein (p.Asp387Asn). This variant has not been reported in the literature in individuals affected with MNX1-related conditions. Algorithms developed to predict the effect of missense changes on protein structure and function are either unavailable or do not agree on the potential impact of this missense change (SIFT: "Deleterious"; PolyPhen-2: "Not Available"; Align-GVGD: "Class C0"). In summary, the available evidence is currently insufficient to determine the role of this variant in disease. Therefore, it has been classified as a Variant of Uncertain Significance.

NM_005515.4(MNX1):c.1159G>A (p.Asp387Asn)

Gene: MNX1 (motor neuron and pancreas homeobox 1; minus strand). Cytogenetic location: 7q36.3.
Variant type: single nucleotide variant.
Coding change: c.1159G>A on transcript NM_005515.4 (MANE Select); coding-DNA position 1159, G replaced by A.
Protein change: p.Asp387Asn; replaces aspartic acid 387 with asparagine.
Molecular consequence: missense variant.
Genome position (GRCh38, 1-based): chr7:157,005,567, C>T on the plus strand (G>A on the coding strand, the complement: MNX1 is on the minus strand). VCF-style: chr7-157005567-C-T. GRCh37 (hg19) VCF-style: chr7-156798261-C-T.
Other names: c.523G>A, p.Asp175Asn (NM_001165255.2); short protein forms D175N, D387N.
Identifiers: ClinVar variation 1720673 (VCV001720673.5), dbSNP rs1805577643, ClinGen allele CA370161306.